The following is an entry in ClinVar:

NM_000018.4(ACADVL):c.1077+3_1077+6del

Gene: ACADVL (acyl-CoA dehydrogenase very long chain; plus strand). Cytogenetic location: 17p13.1.
Variant type: Deletion.
Coding change: c.1077+3_1077+6del on transcript NM_000018.4 (MANE Select); bases 3 to 6 of the intron after coding-DNA position 1077, 4 bases deleted (GAGT; older notation c.1077+3_1077+6delGAGT).
Molecular consequence: splice donor variant.
Genome position (GRCh38, 1-based): chr17:7,222,868-7,222,871, GAGT deleted; deleting any 4 consecutive bases within chr17:7,222,866-7,222,871 gives the same sequence; the c. name uses the placement nearest the transcript's 3' end. VCF-style (leftmost placement, unchanged base first): chr17-7222865-GGTGA-G. GRCh37 (hg19) VCF-style: chr17-7126184-GGTGA-G.
Other names: c.1146+3_1146+6del (NM_001270447.2); c.849+3_849+6del (NM_001270448.2); c.1011+3_1011+6del (NM_001033859.3).
Identifiers: ClinVar variation 932801 (VCV000932801.6), dbSNP rs2071298305, ClinGen allele CA1139665147.

ClinVar aggregate classification (germline): Uncertain significance. Review status: criteria provided, multiple submitters, no conflicts (2 of 4 stars). 2 submissions from 2 submitters: Uncertain significance (2). Last evaluated 2020-08-07.

Conditions:
Very long chain acyl-CoA dehydrogenase deficiency (ACADVLD). Also called: Very Long-Chain Acyl-Coenzyme A Dehydrogenase Deficiency; VLCAD Deficiency. Identifiers: Orphanet 26793, MedGen C3887523, MONDO:0008723, OMIM 201475.

Submissions (2):

Labcorp Genetics (formerly Invitae), Labcorp
Classification: Uncertain significance for Very long chain acyl-CoA dehydrogenase deficiency. Last evaluated: 2020-08-07. Review status: criteria provided, single submitter. Criteria: Invitae Variant Classification Sherloc (09022015). Collection method: clinical testing. Allele origin: germline.
Comment: This sequence change falls in intron 10 of the ACADVL gene. It does not directly change the encoded amino acid sequence of the ACADVL protein, but it affects a nucleotide within the consensus splice site of the intron. This variant is not present in population databases (ExAC no frequency). This variant has not been reported in the literature in individuals with ACADVL-related conditions. Nucleotide substitutions within the consensus splice site are a relatively common cause of aberrant splicing (PMID: 17576681, 9536098). Algorithms developed to predict the effect of sequence changes on RNA splicing suggest that this variant may disrupt the consensus splice site, but this prediction has not been confirmed by published transcriptional studies. In summary, the available evidence is currently insufficient to determine the role of this variant in disease. Therefore, it has been classified as a Variant of Uncertain Significance.

Wong Mito Lab, Molecular and Human Genetics, Baylor College of Medicine
Classification: Uncertain significance for Very long chain acyl-CoA dehydrogenase deficiency. Last evaluated: 2019-11-01. Review status: criteria provided, single submitter. Criteria: ACMG Guidelines, 2015. Collection method: clinical testing. Allele origin: germline.
Comment: The NM_000018.3:c.1077+3_1077+6delGAGT (NP_000009.1:p.?) [GRCH38: NC_000017.11:g.7222868_7222871delGAGT] variant in ACADVL gene is interpretated to be Uncertain Significance based on ACMG guidelines (PMID: 25741868). This variant has been reported. This variant meets the following evidence codes reported in the ACMG guidelines: PP3

Literature cited by the submitters: PubMed 17576681 (cited by Labcorp Genetics (formerly Invitae), Labcorp); PubMed 9536098 (cited by Labcorp Genetics (formerly Invitae), Labcorp).